The following is an entry in ClinVar:

NM_001853.4(COL9A3):c.1535A>G (p.Lys512Arg)

Genes: COL9A3 (collagen type IX alpha 3 chain; plus strand), LOC126863084 (MED14-independent group 3 enhancer GRCh37_chr20:61467141-61468340; plus strand). Cytogenetic location: 20q13.33.
Variant type: single nucleotide variant.
Coding change: c.1535A>G on transcript NM_001853.4 (MANE Select); coding-DNA position 1535, A replaced by G.
Protein change: p.Lys512Arg; replaces lysine 512 with arginine.
Molecular consequence: missense variant.
Genome position (GRCh38, 1-based): chr20:62,836,320, A>G. VCF-style: chr20-62836320-A-G. GRCh37 (hg19) VCF-style: chr20-61467672-A-G.
Other names: short protein forms K512R.
Identifiers: ClinVar variation 2133256 (VCV002133256.4), dbSNP rs1318073098, ClinGen allele CA409598207.

ClinVar aggregate classification (germline): Uncertain significance (1 of 4 stars; one submission).

Allele frequency attached by ClinVar (database versions not stated): gnomAD exomes below 0.00001.
gnomAD v4.1: 1 of 1,613,834 alleles (0.000062%); highest among the groups gnomAD compares: Non-Finnish European, 0.000085%; no homozygotes.

Submission:

Labcorp Genetics (formerly Invitae), Labcorp
Classification: Uncertain significance. Last evaluated: 2025-01-27. Review status: criteria provided, single submitter. Criteria: Invitae Variant Classification Sherloc (09022015). Collection method: clinical testing. Allele origin: germline.
Comment: This sequence change replaces lysine, which is basic and polar, with arginine, which is basic and polar, at codon 512 of the COL9A3 protein (p.Lys512Arg). This variant is present in population databases (no rsID available, gnomAD 0.0009%). This variant has not been reported in the literature in individuals affected with COL9A3-related conditions. ClinVar contains an entry for this variant (Variation ID: 2133256). Invitae Evidence Modeling of protein sequence and biophysical properties (such as structural, functional, and spatial information, amino acid conservation, physicochemical variation, residue mobility, and thermodynamic stability) indicates that this missense variant is not expected to disrupt COL9A3 protein function with a negative predictive value of 95%. In summary, the available evidence is currently insufficient to determine the role of this variant in disease. Therefore, it has been classified as a Variant of Uncertain Significance.